The following is an entry in ClinVar:

Single allele

Genes: CD160 (CD160 molecule; plus strand), PDZK1 (PDZ domain containing 1; minus strand), RNF115 (ring finger protein 115; minus strand). Cytogenetic location: 1q21.1.
Variant type: Deletion.
Identifiers: ClinVar variation 156753 (VCV000156753.2).

ClinVar aggregate classification (germline): not provided. Review status: no classification provided (0 of 4 stars). 2 submissions from 1 submitter: not provided (2).

Conditions:
Preeclampsia. Identifiers: Orphanet 275555, MedGen C0032914, MONDO:0005081, HP:0100602.
Small for gestational age. Also called: Low birth weight. Identifiers: MedGen C0235991, HP:0001518.

Submissions (2):

Institute of Molecular and Cell Biology, University of Tartu
No classification provided. Condition: Small for gestational age. Review status: no classification provided. Collection method: case-control. Allele origin: unknown. Affected: yes. Study: Kasak2014.
Comment: The study aimed to determine the contribution of copy number variants in the genetic etiology of normal and complicated pregnancies. The samples represented (i) maternal blood DNA drawn from healthy pregnant women during 1st or 2nd trimester and (ii) maternal and paternal blood DNA drawn at term pregnancy cases representing normal and complicated gestations (severe preeclampsia, PE; gestational diabetes, GD; small-for-gestational age newborn, SGA; large-for-gestational age newborn, LGA). We performed CNV calling based on genome-wide genotyping dataset (Illumina HumanOmniExpress-24-v1 BeadChip) by applying three algorithms, QuantiSNP, GADA (Genome Alteration Detection Algorithm) and CNstream in parallel. The acquired CNV calls were merged with HD-CNV (Hotspot Detector for Copy Number Variants) program and only the CNVs predicted by at least two programs, were considered in subsequent analysis.

Institute of Molecular and Cell Biology, University of Tartu
No classification provided. Condition: Preeclampsia. Review status: no classification provided. Collection method: case-control. Allele origin: unknown. Affected: yes. Study: Kasak2014.
Comment: the same text as in the submission from Institute of Molecular and Cell Biology, University of Tartu above.

Literature cited by the submitters: PubMed 25666259.